The following is an entry in ClinVar:

ClinVar aggregate classification (germline): Uncertain significance (1 of 4 stars; one submission).

Conditions:
Immunodeficiency 104. Also called: Severe combined immunodeficiency, autosomal recessive, T cell-negative, B cell-positive, NK cell-positive; IMMUNODEFICIENCY 104, SEVERE COMBINED; SCID, AUTOSOMAL RECESSIVE, T CELL-NEGATIVE, B CELL-POSITIVE, NK CELL-POSITIVE; Severe Combined Immune Deficiency, Autosomal Recessive, TCell -Negative, B Cell-Positive, NK Cell-Positive, IL7R-Related. Identifiers: MedGen C5676890, MONDO:0012163, OMIM 608971.

Allele frequency attached by ClinVar (database versions not stated): gnomAD exomes 0.00001.
gnomAD v4.1: 21 of 1,607,796 alleles (0.0013%); highest among the groups gnomAD compares: South Asian, 0.019%; no homozygotes.

Submission:

Labcorp Genetics (formerly Invitae), Labcorp
Classification: Uncertain significance for Immunodeficiency 104. Last evaluated: 2022-07-03. Review status: criteria provided, single submitter. Criteria: Invitae Variant Classification Sherloc (09022015). Collection method: clinical testing. Allele origin: germline.
Comment: This sequence change replaces glycine, which is neutral and non-polar, with alanine, which is neutral and non-polar, at codon 9 of the IL7R protein (p.Gly9Ala). This variant is present in population databases (rs776642878, gnomAD 0.01%). This variant has not been reported in the literature in individuals affected with IL7R-related conditions. Advanced modeling of protein sequence and biophysical properties (such as structural, functional, and spatial information, amino acid conservation, physicochemical variation, residue mobility, and thermodynamic stability) performed at Invitae indicates that this missense variant is not expected to disrupt IL7R protein function. In summary, the available evidence is currently insufficient to determine the role of this variant in disease. Therefore, it has been classified as a Variant of Uncertain Significance.

NM_002185.5(IL7R):c.26G>C (p.Gly9Ala)

Gene: IL7R (interleukin 7 receptor; plus strand). Cytogenetic location: 5p13.2.
Variant type: single nucleotide variant.
Coding change: c.26G>C on transcript NM_002185.5 (MANE Select); coding-DNA position 26, G replaced by C.
Protein change: p.Gly9Ala; replaces glycine 9 with alanine.
Molecular consequence: missense variant. On other transcripts: non-coding transcript variant (1).
Genome position (GRCh38, 1-based): chr5:35,857,003, G>C. VCF-style: chr5-35857003-G-C. GRCh37 (hg19) VCF-style: chr5-35857105-G-C.
Other names: c.26G>C, p.Gly9Ala (NM_001410734.1); short protein forms G9A.
Identifiers: ClinVar variation 2189733 (VCV002189733.1), dbSNP rs776642878, ClinGen allele CA3231815.